The following is an entry in ClinVar:

ClinVar aggregate classification (germline): Pathogenic (1 of 4 stars; one submission).

Submission:

Illumina Laboratory Services, Illumina
Classification: Pathogenic. Last evaluated: 2020-10-01. Review status: criteria provided, single submitter. Criteria: ICSL CNVClassificationCriteria Aug2020. Collection method: clinical testing. Allele origin: unknown.
Comment: This CNV is a 2.6 Mb deletion of 22q11.21 on chromosome 22, (seq[GRCh37]del(22)(22q11.21); chr22:g.18889950_21466053del) found in a de novo state. This CNV constitutes a loss encompassing 82 genes and closely overlaps the 3-Mb proximal (LCR22A-LCR22D) recurrent region that is affected in 22q11.2 deletion syndrome (McDonald-McGinn et al. 2015; Burnside et al. 2015). The typical 3-Mb A-D deletion is found in approximately 85% of 22q11.2 cases. The amount of low complexity regions at this locus results in a high rate of meiotic error and nonallelic homologous recombination. Similar losses have not been reported in controls (Cooper et al. 2011; MacDonald et al. 2014), and the penetrance of clinical symptoms is considered high for the A-D deletion. Based on the collective evidence, this CNV is classified as pathogenic.

Literature cited by the submitters: PubMed 21841781; PubMed 24174537; PubMed 26278718; PubMed 27189754.

GRCh37/hg19 22q11.21(chr22:18889950-21466053)x1

Genes: AIFM3 (AIF family member 3; plus strand), ARVCF (ARVCF delta catenin family member; minus strand), C22orf39 (chromosome 22 open reading frame 39; minus strand), CDC45 (cell division cycle 45; plus strand), CLDN5 (claudin 5; minus strand) and 42 more. Cytogenetic location: 22q11.21.
Variant type: copy number loss.
Change: copy number 1 (one copy instead of two) of chr22:18,889,950-21,466,053 (2.58 Mb, GRCh37 coordinates, 1-based), cytogenetic band 22q11.21.
Identifiers: ClinVar variation 988912 (VCV000988912.4).